The following is an entry in ClinVar:

NM_001277313.2(FMN1):c.1778G>A (p.Gly593Asp)

Gene: FMN1 (formin 1; minus strand). Cytogenetic location: 15q13.3.
Variant type: single nucleotide variant.
Coding change: c.1778G>A on transcript NM_001277313.2 (MANE Select); coding-DNA position 1778, G replaced by A.
Protein change: p.Gly593Asp; replaces glycine 593 with aspartic acid.
Molecular consequence: missense variant.
Genome position (GRCh38, 1-based): chr15:33,153,137, C>T on the plus strand (G>A on the coding strand, the complement: FMN1 is on the minus strand). VCF-style: chr15-33153137-C-T. GRCh37 (hg19) VCF-style: chr15-33445338-C-T.
Other names: c.1778G>A, p.Gly593Asp (NM_001277314.2); short protein forms G593D.
Identifiers: ClinVar variation 2645134 (VCV002645134.27), dbSNP rs369613684, ClinGen allele CA7457507.

ClinVar aggregate classification (germline): Benign/Likely benign. Review status: criteria provided, multiple submitters, no conflicts (2 of 4 stars). 2 submissions from 2 submitters: Benign (1); Likely benign (1). Last evaluated 2025-10-29.

Allele frequency attached by ClinVar (database versions not stated): TOPMed 0.00007; gnomAD 0.00031; gnomAD exomes 0.00057; 1000 Genomes Project 30x 0.00265; 1000 Genomes Project 0.00359; ExAC 0.00557.
gnomAD v4.1: 856 of 1,536,126 alleles (0.056%); highest among the groups gnomAD compares: South Asian, 0.94%; 9 homozygotes.

Submissions (2):

Labcorp Genetics (formerly Invitae), Labcorp
Classification: Benign. Last evaluated: 2025-10-29. Review status: criteria provided, single submitter. Criteria: Invitae Variant Classification Sherloc (09022015). Collection method: clinical testing. Allele origin: germline.

CeGaT Center for Human Genetics Tuebingen
Classification: Likely benign. Last evaluated: 2022-09-01. Review status: criteria provided, single submitter. Criteria: CeGaT Center For Human Genetics Tuebingen Variant Classification Criteria Version 2. Collection method: clinical testing. Allele origin: germline. Affected: yes. Observed: 1 variant allele.
Comment: FMN1: BP4, BS2